The following is an entry in ClinVar:

NM_024675.4(PALB2):c.1524T>C (p.Pro508=)

Gene: PALB2 (partner and localizer of BRCA2; minus strand). Cytogenetic location: 16p12.2.
Variant type: single nucleotide variant.
Coding change: c.1524T>C on transcript NM_024675.4 (MANE Select); coding-DNA position 1524, T replaced by C.
Protein change: p.Pro508=; no amino-acid change (proline 508 retained).
Molecular consequence: synonymous variant.
Genome position (GRCh38, 1-based): chr16:23,635,022, A>G on the plus strand (T>C on the coding strand, the complement: PALB2 is on the minus strand). VCF-style: chr16-23635022-A-G. GRCh37 (hg19) VCF-style: chr16-23646343-A-G.
Identifiers: ClinVar variation 819452 (VCV000819452.15), dbSNP rs1597095768, ClinGen allele CA494461311.

ClinVar aggregate classification (germline): Benign/Likely benign. Review status: criteria provided, multiple submitters, no conflicts (2 of 4 stars). 3 submissions from 3 submitters: Benign (1); Likely benign (2). Last evaluated 2025-01-14.

Conditions:
Hereditary cancer-predisposing syndrome. Also called: Tumor predisposition; Hereditary neoplastic syndrome; Neoplastic Syndromes, Hereditary; Hereditary Cancer Syndrome. Identifiers: Orphanet 140162, MedGen C0027672, MeSH D009386, MONDO:0015356.
Familial cancer of breast. Also called: hereditary breast carcinoma; Hereditary breast cancer; BREAST CANCER, FAMILIAL. Identifiers: Orphanet 227535, MedGen C0346153, MONDO:0016419, OMIM 114480. Disease mechanism: loss of function.

Submissions (3):

Myriad Genetics, Inc.
Classification: Benign for Familial cancer of breast. Last evaluated: 2025-01-14. Review status: criteria provided, single submitter. Criteria: Myriad Autosomal Dominant, Autosomal Recessive and X-Linked Classification Criteria (2023). Collection method: clinical testing. Allele origin: unknown.
Comment: This variant is considered benign. This variant is a silent/synonymous amino acid change and it is not expected to impact splicing.

Labcorp Genetics (formerly Invitae), Labcorp
Classification: Likely benign for Familial cancer of breast. Last evaluated: 2024-09-14. Review status: criteria provided, single submitter. Criteria: Invitae Variant Classification Sherloc (09022015). Collection method: clinical testing. Allele origin: germline.

Ambry Genetics
Classification: Likely benign for Hereditary cancer-predisposing syndrome. Last evaluated: 2019-03-06. Review status: criteria provided, single submitter. Criteria: Ambry Variant Classification Scheme 2023. Collection method: clinical testing. Allele origin: germline.